The following is an entry in ClinVar:

ClinVar aggregate classification (germline): Uncertain significance (1 of 4 stars; one submission).

Conditions:
Fanconi anemia (FA). Also called: Fanconi's anemia. Identifiers: Orphanet 84, MedGen C0015625, MeSH D005199, MONDO:0019391.

Allele frequency attached by ClinVar (database versions not stated): gnomAD exomes 0.00001; ExAC 0.00002.
gnomAD v4.1: 7 of 1,611,372 alleles (0.00043%); highest among the groups gnomAD compares: South Asian, 0.0022%; no homozygotes.

Submission:

Labcorp Genetics (formerly Invitae), Labcorp
Classification: Uncertain significance for Fanconi anemia. Last evaluated: 2022-02-04. Review status: criteria provided, single submitter. Criteria: Invitae Variant Classification Sherloc (09022015). Collection method: clinical testing. Allele origin: germline.
Comment: This sequence change replaces arginine, which is basic and polar, with glutamine, which is neutral and polar, at codon 1833 of the SLX4 protein (p.Arg1833Gln). This variant is present in population databases (rs751456750, gnomAD 0.003%). This variant has not been reported in the literature in individuals affected with SLX4-related conditions. Algorithms developed to predict the effect of missense changes on protein structure and function output the following: SIFT: "Tolerated"; PolyPhen-2: "Benign"; Align-GVGD: "Class C0". The glutamine amino acid residue is found in multiple mammalian species, which suggests that this missense change does not adversely affect protein function. In summary, the available evidence is currently insufficient to determine the role of this variant in disease. Therefore, it has been classified as a Variant of Uncertain Significance.

NM_032444.4(SLX4):c.5498G>A (p.Arg1833Gln)

Gene: SLX4 (SLX4 structure-specific endonuclease subunit; minus strand). Cytogenetic location: 16p13.3.
Variant type: single nucleotide variant.
Coding change: c.5498G>A on transcript NM_032444.4 (MANE Select); coding-DNA position 5498, G replaced by A.
Protein change: p.Arg1833Gln; replaces arginine 1833 with glutamine.
Molecular consequence: missense variant.
Genome position (GRCh38, 1-based): chr16:3,582,349, C>T on the plus strand (G>A on the coding strand, the complement: SLX4 is on the minus strand). VCF-style: chr16-3582349-C-T. GRCh37 (hg19) VCF-style: chr16-3632350-C-T.
Other names: short protein forms R1833Q.
Identifiers: ClinVar variation 1521522 (VCV001521522.5), dbSNP rs751456750, ClinGen allele CA7865287.
Genomic context (GRCh38, chr16:3,582,349, plus strand): 5'-GGCGGGGGTGGGGGCTGCTGATGGCAGGTTGGGGTGGGGTCGGGATGGCCCCATCAGTTC[C>T]GCTCCACCTTCTTCTTGCCCCGAGGCTGCCGCCTCCTGCCCTGGAGCTTCTCCCTGCGGG-3'
Protein context (NP_115820.2, residues 1823-1834): RQPRGKKKVE[Arg1833Gln]N